The following is an entry in ClinVar:

NM_000321.3(RB1):c.2061C>T (p.Thr687=)

Gene: RB1 (RB transcriptional corepressor 1; plus strand). Cytogenetic location: 13q14.2.
Variant type: single nucleotide variant.
Coding change: c.2061C>T on transcript NM_000321.3 (MANE Select); coding-DNA position 2061, C replaced by T.
Protein change: p.Thr687=; no amino-acid change (threonine 687 retained).
Molecular consequence: synonymous variant.
Genome position (GRCh38, 1-based): chr13:48,459,788, C>T. VCF-style: chr13-48459788-C-T. GRCh37 (hg19) VCF-style: chr13-49033924-C-T.
Identifiers: ClinVar variation 1139935 (VCV001139935.13), dbSNP rs113432974, ClinGen allele CA033872.

ClinVar aggregate classification (germline): Benign/Likely benign. Review status: criteria provided, multiple submitters, no conflicts (2 of 4 stars). 4 submissions from 4 submitters: Benign (1); Likely benign (3). Last evaluated 2026-06-25.

Conditions:
Hereditary retinoblastoma. Identifiers: Orphanet 357027, MedGen C0751483, MONDO:0018160.
Hereditary cancer-predisposing syndrome. Also called: Neoplastic Syndromes, Hereditary; Tumor predisposition; Hereditary Cancer Syndrome; Hereditary neoplastic syndrome. Identifiers: Orphanet 140162, MedGen C0027672, MeSH D009386, MONDO:0015356.
Retinoblastoma (RB1). Also called: RETINOBLASTOMA, SOMATIC. Identifiers: Orphanet 790, MedGen C0035335, MeSH D012175, MONDO:0008380, OMIM 180200, HP:0009919. Disease mechanism: loss of function. Inheritance: Both sporadic and heritable forms are tested..

Allele frequency attached by ClinVar (database versions not stated): gnomAD exomes below 0.00001 and 0.00001; ExAC 0.00001; 1000 Genomes Project 0.00020; gnomAD 0.00002; 1000 Genomes Project 30x 0.00016.
gnomAD v4.1: 17 of 1,613,894 alleles (0.0011%); highest among the groups gnomAD compares: African/African-American, 0.015%; no homozygotes.

Submissions (4):

Myriad Genetics, Inc.
Classification: Benign for Retinoblastoma. Last evaluated: 2026-06-25. Review status: criteria provided, single submitter. Criteria: Myriad Autosomal Dominant, Autosomal Recessive and X-Linked Classification Criteria (2023). Collection method: clinical testing. Allele origin: unknown.
Comment: This variant is considered benign. This variant is a silent/synonymous amino acid change and it is not expected to impact splicing.

Labcorp Genetics (formerly Invitae), Labcorp
Classification: Likely benign for Retinoblastoma. Last evaluated: 2026-02-04. Review status: criteria provided, single submitter. Criteria: Invitae Variant Classification Sherloc (09022015). Collection method: clinical testing. Allele origin: germline.

Ramesar Group, Division of Human Genetics, Institute of Infectious Diseases and Molecular Medicine, UCT/MRC Genomic and Precision Medicine Research Unit, University of Cape Town
Classification: Likely benign for Hereditary retinoblastoma. Last evaluated: 2025-09-17. Review status: criteria provided, single submitter. Criteria: ACMG Guidelines, 2015. Collection method: research. Allele origin: germline. Affected: no.
Comment: BP5 - Variant found in a patient with a different retinal disease; RB1 is not associated with the phenotype BP7 - A synonymous variant with no predicted effect on splicing (SpliceAI scores are negligible)

Ambry Genetics
Classification: Likely benign for Hereditary cancer-predisposing syndrome. Last evaluated: 2019-04-19. Review status: criteria provided, single submitter. Criteria: Ambry Variant Classification Scheme 2023. Collection method: clinical testing. Allele origin: germline.